The following is an entry in ClinVar:

ClinVar aggregate classification (germline): Pathogenic (1 of 4 stars; one submission).

Submission:

GeneDx
Classification: Pathogenic. Last evaluated: 2025-02-02. Review status: criteria provided, single submitter. Criteria: GeneDx Variant Classification Process June 2021. Collection method: clinical testing. Allele origin: germline. Affected: yes.
Comment: Frameshift variant predicted to result in protein truncation or nonsense mediated decay in a gene for which loss of function is a known mechanism of disease; Not observed at significant frequency in large population cohorts (gnomAD); Has not been previously published as pathogenic or benign to our knowledge

NM_016628.5(WAC):c.891dup (p.Val298fs)

Gene: WAC (WW domain containing adaptor with coiled-coil; plus strand). Cytogenetic location: 10p12.1.
Variant type: Duplication.
Coding change: c.891dup on transcript NM_016628.5 (MANE Select); coding-DNA position 891, one base duplicated (T; older notation c.891dupT).
Protein change: p.Val298fs; shifts the reading frame from valine 298.
Molecular consequence: frameshift variant. On other transcripts: intron variant (1).
Genome position (GRCh38, 1-based): chr10:28,596,013, T duplicated. VCF-style (leftmost placement, unchanged base first): chr10-28596012-C-CT. GRCh37 (hg19) VCF-style: chr10-28884941-C-CT.
Other names: c.756dup, p.Val253fs (NM_100264.3); c.610+5181dup (NM_100486.4); short protein forms V253fs, V298fs.
Identifiers: ClinVar variation 4072492 (VCV004072492.1).
Genomic context (GRCh38, chr10:28,596,012, plus strand): 5'-AGAAATCATTTGATGCTAATGGAGCATCTACTTTATCAAAACTGCCTACACCCACATCTT[C>CT]TGTCCCTGCACAGAAAACAGAAAGAAAAGGTATGCCATTATTACTAGATGCTGCACGTTG-3'